The following is an entry in ClinVar:

NM_004415.4(DSP):c.6233T>C (p.Ile2078Thr)

Gene: DSP (desmoplakin; plus strand). Cytogenetic location: 6p24.3.
Variant type: single nucleotide variant.
Coding change: c.6233T>C on transcript NM_004415.4 (MANE Select); coding-DNA position 6233, T replaced by C.
Protein change: p.Ile2078Thr; replaces isoleucine 2078 with threonine.
Molecular consequence: missense variant.
Genome position (GRCh38, 1-based): chr6:7,583,495, T>C. VCF-style: chr6-7583495-T-C. GRCh37 (hg19) VCF-style: chr6-7583728-T-C.
Other names: c.6233T>C (LRG_423t1); c.4436T>C, p.Ile1479Thr (NM_001008844.3); c.4904T>C, p.Ile1635Thr (NM_001319034.2); short protein forms I2078T, I1479T, I1635T.
Identifiers: ClinVar variation 424285 (VCV000424285.25), dbSNP rs377035113, ClinGen allele CA047127.

ClinVar aggregate classification (germline): Conflicting classifications of pathogenicity. Review status: criteria provided, conflicting classifications (1 of 4 stars). 7 submissions from 7 submitters: Uncertain significance (6); Likely benign (1). Last evaluated 2026-02-27.

Conditions:
Arrhythmogenic cardiomyopathy with wooly hair and keratoderma. Also called: Arrhythmogenic cardiomyopathy with woolly hair and keratoderma; PALMOPLANTAR KERATODERMA WITH LEFT VENTRICULAR CARDIOMYOPATHY AND WOOLLY HAIR; Carvajal syndrome; Dilated cardiomyopathy with woolly hair and keratoderma. Identifiers: Orphanet 65282, MedGen C1854063, MONDO:0011581, OMIM 605676.
Arrhythmogenic right ventricular dysplasia 8 (ARVD8). Also called: ARRHYTHMOGENIC RIGHT VENTRICULAR DYSPLASIA, FAMILIAL, 8; ARRHYTHMOGENIC RIGHT VENTRICULAR CARDIOMYOPATHY 8; Arrhythmogenic Right Ventricular Dysplasia/Cardiomyopathy 8. Identifiers: MedGen C1843896, MONDO:0011831, OMIM 607450.
Cardiovascular phenotype. Identifiers: MedGen CN230736.
Cardiomyopathy, dilated, with wooly hair, keratoderma, and tooth agenesis. Also called: Cardiomyopathy, dilated, with woolly hair, keratoderma, and tooth agenesis; Erythrokeratodermia-cardiomyopathy syndrome. Identifiers: Orphanet 476096, Orphanet 65282, MedGen C4014393, MONDO:0014355, OMIM 615821.
Woolly hair-skin fragility syndrome (WHSF). Identifiers: Orphanet 293165, MedGen C1843292, MONDO:0957307, OMIM 620415.
Lethal acantholytic epidermolysis bullosa (EBLA). Identifiers: Orphanet 158687, MedGen C1864826, MONDO:0012323, OMIM 609638.
Keratosis palmoplantaris striata 2. Also called: Keratosis palmoplantaris striata II; KERATODERMA, PALMOPLANTAR, STRIATE FORM II; STRIATE PALMOPLANTAR KERATODERMA II. Identifiers: MedGen C1852127, MONDO:0013034, OMIM 612908.
Cardiomyopathy (CMYO). Also called: Cardiomyopathies. Identifiers: Orphanet 167848, MedGen C0878544, MONDO:0004994, HP:0001638. Inheritance: Various modes of inheritance.

Allele frequency attached by ClinVar (database versions not stated): gnomAD exomes 0.00004 and 0.00002; gnomAD 0.00001; TOPMed 0.00001; ESP Exome Variant Server 0.00008; ExAC 0.00003.
gnomAD v4.1: 60 of 1,614,072 alleles (0.0037%); highest among the groups gnomAD compares: Non-Finnish European, 0.0049%; no homozygotes.

Submissions (7):

Ambry Genetics
Classification: Uncertain significance for Cardiovascular phenotype. Last evaluated: 2026-02-27. Review status: criteria provided, single submitter. Criteria: Ambry Variant Classification Scheme 2023. Collection method: clinical testing. Allele origin: germline.
Comment: The c.6233T>C (p.I2078T) alteration is located in exon 24 (coding exon 24) of the DSP gene. This alteration results from a T to C substitution at nucleotide position 6233, causing the isoleucine (I) at amino acid position 2078 to be replaced by a threonine (T). Based on data from gnomAD, the C allele has an overall frequency of 0.002% (5/251142) total alleles studied. The highest observed frequency was 0.004% (5/113520) of European (non-Finnish) alleles. Based on insufficient or conflicting evidence, the clinical significance of this alteration remains unclear.

Labcorp Genetics (formerly Invitae), Labcorp
Classification: Likely benign for Arrhythmogenic cardiomyopathy with wooly hair and keratoderma; Arrhythmogenic right ventricular dysplasia 8. Last evaluated: 2025-11-11. Review status: criteria provided, single submitter. Criteria: Invitae Variant Classification Sherloc (09022015). Collection method: clinical testing. Allele origin: germline.

Color Diagnostics, LLC DBA Color Health
Classification: Uncertain significance for Cardiomyopathy. Last evaluated: 2025-06-30. Review status: criteria provided, single submitter. Criteria: ACMG Guidelines, 2015. Collection method: clinical testing. Allele origin: germline.
Comment: This missense variant replaces isoleucine with threonine at codon 2078 of the DSP protein. Computational prediction is inconclusive regarding the impact of this variant on protein structure and function. To our knowledge, functional studies have not been reported for this variant. This variant has been reported in an individual affected with dilated cardiomyopathy (PMID: 32880476, 37198425). This variant has been identified in 5/251142 chromosomes in the general population by the Genome Aggregation Database (gnomAD). The available evidence is insufficient to determine the role of this variant in disease conclusively. Therefore, this variant is classified as a Variant of Uncertain Significance.

All of Us Research Program, National Institutes of Health
Classification: Uncertain significance for Arrhythmogenic cardiomyopathy with wooly hair and keratoderma. Last evaluated: 2024-05-17. Review status: criteria provided, single submitter. Criteria: ACMG Guidelines, 2015. Collection method: clinical testing. Allele origin: germline. Inheritance: Autosomal dominant inheritance. Observed: 5 variant alleles, 5 heterozygotes.
Comment: This missense variant replaces isoleucine with threonine at codon 2078 of the DSP protein. Computational prediction is inconclusive regarding the impact of this variant on protein structure and function (internally defined REVEL score threshold 0.5 < inconclusive < 0.7, PMID: 27666373). To our knowledge, functional studies have not been reported for this variant. This variant has been reported in an individual affected with dilated cardiomyopathy (PMID: 32880476). This variant has been identified in 5/251142 chromosomes in the general population by the Genome Aggregation Database (gnomAD). The available evidence is insufficient to determine the role of this variant in disease conclusively. Therefore, this variant is classified as a Variant of Uncertain Significance.

This study involves interpretation of variants in research participants for the purpose of population health screening. Participant phenotype was not available at the time of variant classification. Additional details can be found in publication PMID: 35346344, PMCID: PMC8962531

Women's Health and Genetics/Laboratory Corporation of America, LabCorp
Classification: Uncertain significance. Last evaluated: 2024-02-20. Review status: criteria provided, single submitter. Criteria: LabCorp Variant Classification Summary - May 2015. Collection method: clinical testing. Allele origin: germline.
Comment: Variant summary: DSP c.6233T>C (p.Ile2078Thr) results in a non-conservative amino acid change in the encoded protein sequence. Four of five in-silico tools predict a damaging effect of the variant on protein function. The variant allele was found at a frequency of 2e-05 in 251142 control chromosomes. The available data on variant occurrences in the general population are insufficient to allow any conclusion about variant significance. c.6233T>C has been reported in the literature in one individual affected with Dilated Cardiomyopathy (Verdonschot_2020), without strong evidence for causality. These report(s) do not provide unequivocal conclusions about association of the variant with Arrhythmogenic Right Ventricular Dysplasia/Cardiomyopathy. To our knowledge, no experimental evidence demonstrating an impact on protein function has been reported. The following publication have been ascertained in the context of this evaluation (PMID: 32880476). ClinVar contains an entry for this variant (Variation ID: 424285). Based on the evidence outlined above, the variant was classified as uncertain significance.

Fulgent Genetics
Classification: Uncertain significance for Arrhythmogenic cardiomyopathy with wooly hair and keratoderma; Arrhythmogenic right ventricular dysplasia 8; Lethal acantholytic epidermolysis bullosa; Keratosis palmoplantaris striata 2; Cardiomyopathy, dilated, with wooly hair, keratoderma, and tooth agenesis. Last evaluated: 2021-08-27. Review status: criteria provided, single submitter. Criteria: ACMG Guidelines, 2015. Collection method: clinical testing. Allele origin: unknown.

GeneDx
Classification: Uncertain significance. Last evaluated: 2017-03-16. Review status: criteria provided, single submitter. Criteria: GeneDx Variant Classification (06012015). Collection method: clinical testing. Allele origin: germline. Affected: yes.
Comment: A variant of uncertain significance has been identified in the DSP gene. The I2078T variant has not been published as pathogenic or been reported as benign to our knowledge. This variant is not observed at a significant frequency in large population cohorts (Lek et al., 2016; 1000 Genomes Consortium et al., 2015; Exome Variant Server). The I2078T variant is a non-conservative amino acid substitution, which is likely to impact secondary protein structure as these residues differ in polarity, charge, size and/or other properties. This substitution occurs at a position where only amino acids with similar properties to isoleucine are tolerated across species. In silico analysis predicts this variant is probably damaging to the protein structure/function. However, this variant lacks observation in a significant number of affected individuals, segregation data, and functional evidence, which would further clarify its pathogenicity.

Literature cited by the submitters: PubMed 32880476 (cited by 3 submitters); PubMed 37198425 (cited by Color Diagnostics, LLC DBA Color Health).